The following is an entry in ClinVar:

NM_000077.5(CDKN2A):c.458-40C>T

Gene: CDKN2A (cyclin dependent kinase inhibitor 2A; minus strand). Cytogenetic location: 9p21.3.
Variant type: single nucleotide variant.
Coding change: c.458-40C>T on transcript NM_000077.5 (MANE Select); 40 bases into the intron before coding-DNA position 458, C replaced by T.
Molecular consequence: intron variant.
Genome position (GRCh38, 1-based): chr9:21,968,282, G>A on the plus strand (C>T on the coding strand, the complement: CDKN2A is on the minus strand). VCF-style: chr9-21968282-G-A. GRCh37 (hg19) VCF-style: chr9-21968281-G-A.
Other names: c.305-40C>T (NM_001363763.2); c.*102-40C>T (NM_058195.4); c.*151-40C>T (NM_001195132.2); c.*381-40C>T (NM_058197.5).
Identifiers: ClinVar variation 4294166 (VCV004294166.1).
Genomic context (GRCh38, chr9:21,968,282, plus strand): 5'-GGTTCTTTCAATCGGGGATGTCTGCAGAGGGCAGAAAGAAAACAGGCGTTAGAAACCTGA[G>A]GTCAAAGATGTGTGGCACATCCCGCCCTCCTCTCTTGCCGTCCCTACCGGCATTGAAATA-3'

ClinVar aggregate classification (germline): Benign (1 of 4 stars; one submission).

Conditions:
Melanoma-pancreatic cancer syndrome. Identifiers: Orphanet 404560, MedGen C1838547, MONDO:0011713, OMIM 606719. Disease mechanism: loss of function.

Submission:

Myriad Genetics, Inc.
Classification: Benign for Melanoma-pancreatic cancer syndrome. Last evaluated: 2025-08-18. Review status: criteria provided, single submitter. Criteria: Myriad Autosomal Dominant, Autosomal Recessive and X-Linked Classification Criteria (2023). Collection method: clinical testing. Allele origin: unknown.
Comment: This variant is considered benign. This variant is intronic and is not expected to impact mRNA splicing.